The following is an entry in ClinVar:

ClinVar aggregate classification (germline): Uncertain significance (1 of 4 stars; one submission).

Conditions:
Noonan syndrome 8 (NS8). Identifiers: Orphanet 648, MedGen C3809233, MONDO:0014143, OMIM 615355.

Submission:

Labcorp Genetics (formerly Invitae), Labcorp
Classification: Uncertain significance for Noonan syndrome 8. Last evaluated: 2023-05-11. Review status: criteria provided, single submitter. Criteria: Invitae Variant Classification Sherloc (09022015). Collection method: clinical testing. Allele origin: germline.
Comment: This variant has not been reported in the literature in individuals affected with RIT1-related conditions. This variant is not present in population databases (gnomAD no frequency). In summary, the available evidence is currently insufficient to determine the role of this variant in disease. Therefore, it has been classified as a Variant of Uncertain Significance. Advanced modeling of protein sequence and biophysical properties (such as structural, functional, and spatial information, amino acid conservation, physicochemical variation, residue mobility, and thermodynamic stability) performed at Invitae indicates that this missense variant is expected to disrupt RIT1 protein function. This sequence change replaces alanine, which is neutral and non-polar, with aspartic acid, which is acidic and polar, at codon 69 of the RIT1 protein (p.Ala69Asp).

NM_006912.6(RIT1):c.206C>A (p.Ala69Asp)

Gene: RIT1 (Ras like without CAAX 1; minus strand). Cytogenetic location: 1q22.
Variant type: single nucleotide variant.
Coding change: c.206C>A on transcript NM_006912.6 (MANE Select); coding-DNA position 206, C replaced by A.
Protein change: p.Ala69Asp; replaces alanine 69 with aspartic acid.
Molecular consequence: missense variant.
Genome position (GRCh38, 1-based): chr1:155,904,762, G>T on the plus strand (C>A on the coding strand, the complement: RIT1 is on the minus strand). VCF-style: chr1-155904762-G-T. GRCh37 (hg19) VCF-style: chr1-155874553-G-T.
Other names: c.98C>A, p.Ala33Asp (NM_001256820.2); c.257C>A, p.Ala86Asp (NM_001256821.2); short protein forms A69D, A33D, A86D.
Identifiers: ClinVar variation 2808502 (VCV002808502.3), dbSNP rs2527182321, ClinGen allele CA342803295.